The following is an entry in ClinVar:

NM_199420.4(POLQ):c.3404A>C (p.Glu1135Ala)

Gene: POLQ (DNA polymerase theta; minus strand). Cytogenetic location: 3q13.33.
Variant type: single nucleotide variant.
Coding change: c.3404A>C on transcript NM_199420.4 (MANE Select); coding-DNA position 3404, A replaced by C.
Protein change: p.Glu1135Ala; replaces glutamic acid 1135 with alanine.
Molecular consequence: missense variant.
Genome position (GRCh38, 1-based): chr3:121,489,527, T>G on the plus strand (A>C on the coding strand, the complement: POLQ is on the minus strand). VCF-style: chr3-121489527-T-G. GRCh37 (hg19) VCF-style: chr3-121208374-T-G.
Other names: short protein forms E1135A.
Identifiers: ClinVar variation 3308663 (VCV003308663.1).

ClinVar aggregate classification (germline): Uncertain significance (1 of 4 stars; one submission).

Submission:

Ambry Genetics
Classification: Uncertain significance. Last evaluated: 2024-04-30. Review status: criteria provided, single submitter. Criteria: Ambry Variant Classification Scheme 2023. Collection method: clinical testing. Allele origin: germline.
Comment: The p.E1135A variant (also known as c.3404A>C), located in coding exon 16 of the POLQ gene, results from an A to C substitution at nucleotide position 3404. The glutamic acid at codon 1135 is replaced by alanine, an amino acid with dissimilar properties. This amino acid position is conserved. In addition, this alteration is predicted to be tolerated by in silico analysis. Based on the available evidence, the clinical significance of this variant remains unclear.